The following is an entry in ClinVar:

NM_002968.3(SALL1):c.1010C>T (p.Ser337Phe)

Gene: SALL1 (spalt like transcription factor 1; minus strand). Cytogenetic location: 16q12.1.
Variant type: single nucleotide variant.
Coding change: c.1010C>T on transcript NM_002968.3 (MANE Select); coding-DNA position 1010, C replaced by T.
Protein change: p.Ser337Phe; replaces serine 337 with phenylalanine.
Molecular consequence: missense variant.
Genome position (GRCh38, 1-based): chr16:51,141,212, G>A on the plus strand (C>T on the coding strand, the complement: SALL1 is on the minus strand). VCF-style: chr16-51141212-G-A. GRCh37 (hg19) VCF-style: chr16-51175123-G-A.
Other names: c.719C>T, p.Ser240Phe (NM_001127892.2); short protein forms S337F, S240F.
Identifiers: ClinVar variation 4762145 (VCV004762145.1).

ClinVar aggregate classification (germline): Uncertain significance (1 of 4 stars; one submission).

Conditions:
Townes syndrome (TBS). Also called: Townes-Brocks syndrome. Identifiers: Orphanet 857, MedGen C0265246, MeSH C536974, MONDO:0007142.

gnomAD v4.1: 1 of 1,614,062 alleles (0.000062%); highest among the groups gnomAD compares: Admixed American, 0.0017%; no homozygotes.

Submission:

Labcorp Genetics (formerly Invitae), Labcorp
Classification: Uncertain significance for Townes syndrome. Last evaluated: 2025-07-29. Review status: criteria provided, single submitter. Criteria: Invitae Variant Classification Sherloc (09022015). Collection method: clinical testing. Allele origin: germline.
Comment: This sequence change replaces serine, which is neutral and polar, with phenylalanine, which is neutral and non-polar, at codon 337 of the SALL1 protein (p.Ser337Phe). This variant is not present in population databases (gnomAD no frequency). This variant has not been reported in the literature in individuals affected with SALL1-related conditions. Invitae Evidence Modeling of protein sequence and biophysical properties (such as structural, functional, and spatial information, amino acid conservation, physicochemical variation, residue mobility, and thermodynamic stability) indicates that this missense variant is expected to disrupt SALL1 protein function with a positive predictive value of 80%. In summary, the available evidence is currently insufficient to determine the role of this variant in disease. Therefore, it has been classified as a Variant of Uncertain Significance.